The following is an entry in ClinVar:

NM_002739.5(PRKCG):c.310C>G (p.Arg104Gly)

Gene: PRKCG (protein kinase C gamma; plus strand). Cytogenetic location: 19q13.42.
Variant type: single nucleotide variant.
Coding change: c.310C>G on transcript NM_002739.5 (MANE Select); coding-DNA position 310, C replaced by G.
Protein change: p.Arg104Gly; replaces arginine 104 with glycine.
Molecular consequence: missense variant.
Genome position (GRCh38, 1-based): chr19:53,889,662, C>G. VCF-style: chr19-53889662-C-G. GRCh37 (hg19) VCF-style: chr19-54392916-C-G.
Other names: c.310C>G, p.Arg104Gly (NM_001316329.2); short protein forms R104G.
Identifiers: ClinVar variation 3893382 (VCV003893382.1).
Genomic context (GRCh38, chr19:53,889,662, plus strand): 5'-CCCAACGCCCCCTAAGCCAGTCTTCTCTGCCCCCAGGACCCCCGGAACAAACACAAGTTC[C>G]GCCTGCATAGCTACAGCAGCCCCACCTTCTGCGACCACTGTGGCTCCCTCCTCTACGGGC-3'
Protein context (NP_002730.1, residues 94-114): TDDPRNKHKF[Arg104Gly]LHSYSSPTFC

ClinVar aggregate classification (germline): Uncertain significance (1 of 4 stars; one submission).

Submission:

GeneDx
Classification: Uncertain significance. Last evaluated: 2024-10-18. Review status: criteria provided, single submitter. Criteria: GeneDx Variant Classification Process June 2021. Collection method: clinical testing. Allele origin: germline. Affected: yes.
Comment: Not observed at significant frequency in large population cohorts (gnomAD); In silico analysis supports that this missense variant has a deleterious effect on protein structure/function; Has not been previously published as pathogenic or benign to our knowledge